The following is an entry in ClinVar:

NM_001348323.3(TRIP12):c.5936G>A (p.Ser1979Asn)

Gene: TRIP12 (thyroid hormone receptor interactor 12; minus strand). Cytogenetic location: 2q36.3.
Variant type: single nucleotide variant.
Coding change: c.5936G>A on transcript NM_001348323.3 (MANE Select); coding-DNA position 5936, G replaced by A.
Protein change: p.Ser1979Asn; replaces serine 1979 with asparagine.
Molecular consequence: missense variant.
Genome position (GRCh38, 1-based): chr2:229,768,687, C>T on the plus strand (G>A on the coding strand, the complement: TRIP12 is on the minus strand). VCF-style: chr2-229768687-C-T. GRCh37 (hg19) VCF-style: chr2-230633403-C-T.
Other names: c.5855G>A, p.Ser1952Asn (NM_001284214.2, NM_001348315.2); c.5810G>A, p.Ser1937Asn (NM_001284215.2, NM_001348316.2); c.4901G>A, p.Ser1634Asn (NM_001284216.2); c.5795G>A, p.Ser1932Asn (NM_001348317.1, NM_001348318.2); c.5921G>A, p.Ser1974Asn (NM_001348319.1, NM_001348320.2); c.5924G>A, p.Ser1975Asn (NM_001348321.1); c.5936G>A, p.Ser1979Asn (NM_001348322.1, NM_001348324.2, NM_001348325.2 and 2 more transcripts); c.5939G>A, p.Ser1980Asn (NM_001348328.1, NM_001348329.2, NM_001348330.2); and 4 more; short protein forms S1634N, S1904N, S1905N, S1932N, S1937N, S1945N, S1952N, S1953N.
Identifiers: ClinVar variation 1310622 (VCV001310622.2), dbSNP rs2154225586, ClinGen allele CA350883495.
Genomic context (GRCh38, chr2:229,768,687, plus strand): 5'-AATCTTGGGCTACCAGTCACAAACTGGAGAAATAACCTCTGCTGCTCATTATCAAAACTA[C>T]TGAGAATCTCAAACAAAAACTTCACAGCCCGACTATAACAGAAATAAATATACCAAAATT-3'
Protein context (NP_001335252.1, residues 1969-1989): RAVKFLFEIL[Ser1979Asn]SFDNEQQRLF

ClinVar aggregate classification (germline): Uncertain significance (1 of 4 stars; one submission).

Submission:

GeneDx
Classification: Uncertain significance. Last evaluated: 2019-12-05. Review status: criteria provided, single submitter. Criteria: GeneDx Variant Classification Process June 2021. Collection method: clinical testing. Allele origin: germline. Affected: yes.
Comment: Not observed in large population cohorts (Lek et al., 2016); In silico analysis, which includes protein predictors and evolutionary conservation, supports that this variant does not alter protein structure/function; Has not been previously published as pathogenic or benign to our knowledge